The following is an entry in ClinVar:

ClinVar aggregate classification (germline): Likely benign. Review status: criteria provided, multiple submitters, no conflicts (2 of 4 stars). 4 submissions from 4 submitters: Likely benign (4). Last evaluated 2024-03-24.

Conditions:
RYR1-related disorder. Also called: RYR1-related condition; RYR1-related disorders. Identifiers: MedGen CN239331.
Malignant hyperthermia, susceptibility to, 1 (MHS1). Also called: RYR1-Related Malignant Hyperthermia Susceptibility; Malignant hyperthermia suceptibility 1; Anesthesia related hyperthermia; Malignant hyperpyrexia; Fulminating hyperpyrexia; Pharmacogenic myopathy. Identifiers: Orphanet 423, MedGen C2930980, MONDO:0007783, OMIM 145600.

Allele frequency attached by ClinVar (database versions not stated): ExAC 0.00001; gnomAD 0.00001; TOPMed 0.00001; gnomAD exomes 0.00002.
gnomAD v4.1: 13 of 1,612,340 alleles (0.00081%); highest among the groups gnomAD compares: East Asian, 0.029%; no homozygotes.

Submissions (4):

All of Us Research Program, National Institutes of Health
Classification: Likely benign for Malignant hyperthermia, susceptibility to, 1. Last evaluated: 2024-03-24. Review status: criteria provided, single submitter. Criteria: ACMG Guidelines, 2015. Collection method: clinical testing. Allele origin: germline. Inheritance: Autosomal dominant inheritance. Observed: 2 variant alleles, 2 heterozygotes.
Comment: This study involves interpretation of variants in research participants for the purpose of population health screening. Participant phenotype was not available at the time of variant classification. Additional details can be found in publication PMID: 35346344, PMCID: PMC8962531

Women's Health and Genetics/Laboratory Corporation of America, LabCorp
Classification: Likely benign. Last evaluated: 2023-11-09. Review status: criteria provided, single submitter. Criteria: LabCorp Variant Classification Summary - May 2015. Collection method: clinical testing. Allele origin: germline.

Labcorp Genetics (formerly Invitae), Labcorp
Classification: Likely benign for RYR1-related disorder. Last evaluated: 2023-10-07. Review status: criteria provided, single submitter. Criteria: Invitae Variant Classification Sherloc (09022015). Collection method: clinical testing. Allele origin: germline.

Color Diagnostics, LLC DBA Color Health
Classification: Likely benign for Malignant hyperthermia, susceptibility to, 1. Last evaluated: 2022-11-06. Review status: criteria provided, single submitter. Criteria: ACMG Guidelines, 2015. Collection method: clinical testing. Allele origin: germline.

NM_000540.3(RYR1):c.7765C>T (p.Leu2589=)

Gene: RYR1 (ryanodine receptor 1; plus strand). Cytogenetic location: 19q13.2.
Variant type: single nucleotide variant.
Coding change: c.7765C>T on transcript NM_000540.3 (MANE Select); coding-DNA position 7765, C replaced by T.
Protein change: p.Leu2589=; no amino-acid change (leucine 2589 retained).
Molecular consequence: synonymous variant.
Genome position (GRCh38, 1-based): chr19:38,502,657, C>T. VCF-style: chr19-38502657-C-T. GRCh37 (hg19) VCF-style: chr19-38993297-C-T.
Other names: c.7765C>T, p.Leu2589= (NM_001042723.2).
Identifiers: ClinVar variation 2682420 (VCV002682420.7), dbSNP rs754819451, ClinGen allele CA070189.
Genomic context (GRCh38, chr19:38,502,657, plus strand): 5'-TTTGCGGGCACAGAACACCGCGCCATCATGGTGGACTCTATGCTGCATACCGTGTACCGC[C>T]TGTCTCGGGGTCGTTCGCTCACCAAGGCGCAGCGTGACGTCATCGAGGACTGCCTCATGT-3'
Protein context (NP_000531.2, residues 2579-2599): VDSMLHTVYR[Leu2589=]SRGRSLTKAQ